The following is an entry in ClinVar:

NM_004714.3(DYRK1B):c.1614C>T (p.Thr538=)

Gene: DYRK1B (dual specificity tyrosine phosphorylation regulated kinase 1B; minus strand). Cytogenetic location: 19q13.2.
Variant type: single nucleotide variant.
Coding change: c.1614C>T on transcript NM_004714.3 (MANE Select); coding-DNA position 1614, C replaced by T.
Protein change: p.Thr538=; no amino-acid change (threonine 538 retained).
Molecular consequence: synonymous variant.
Genome position (GRCh38, 1-based): chr19:39,825,991, G>A on the plus strand (C>T on the coding strand, the complement: DYRK1B is on the minus strand). VCF-style: chr19-39825991-G-A. GRCh37 (hg19) VCF-style: chr19-40316631-G-A.
Other names: c.1494C>T, p.Thr498= (NM_006483.3); c.1530C>T, p.Thr510= (NM_006484.3).
Identifiers: ClinVar variation 3033470 (VCV003033470.2), dbSNP rs771204068, ClinGen allele CA9433969.

ClinVar aggregate classification (germline): Likely benign (0 of 4 stars; one submission).

Conditions:
DYRK1B-related disorder. Also called: DYRK1B-related condition.

Allele frequency attached by ClinVar (database versions not stated): gnomAD 0.00002; gnomAD exomes 0.00003; ExAC 0.00004.

Submission:

PreventionGenetics, part of Exact Sciences
Classification: Likely benign for DYRK1B-related condition. Last evaluated: 2022-11-29. Review status: no assertion criteria provided. Collection method: clinical testing. Allele origin: germline.
Comment: This variant is classified as likely benign based on ACMG/AMP sequence variant interpretation guidelines (Richards et al. 2015 PMID: 25741868, with internal and published modifications).